The following is an entry in ClinVar:

NM_007194.4(CHEK2):c.1376-16C>T

Gene: CHEK2 (checkpoint kinase 2; minus strand). Cytogenetic location: 22q12.1.
Variant type: single nucleotide variant.
Coding change: c.1376-16C>T on transcript NM_007194.4 (MANE Select); 16 bases into the intron before coding-DNA position 1376, C replaced by T.
Molecular consequence: intron variant.
Genome position (GRCh38, 1-based): chr22:28,694,133, G>A on the plus strand (C>T on the coding strand, the complement: CHEK2 is on the minus strand). VCF-style: chr22-28694133-G-A. GRCh37 (hg19) VCF-style: chr22-29090121-G-A.
Other names: c.713-16C>T (NM_001437942.1, NM_001257387.3); c.1175-16C>T (NM_001349956.3); c.1289-16C>T (NM_145862.3); c.1382-16C>T (NM_001438295.1); c.1469-16C>T (NM_001438293.1); c.1418-16C>T (NM_001438294.1); c.1505-16C>T (NM_001005735.3).
Identifiers: ClinVar variation 2037031 (VCV002037031.5), dbSNP rs2052474853, ClinGen allele CA2400237549.

ClinVar aggregate classification (germline): Likely benign. Review status: criteria provided, multiple submitters, no conflicts (2 of 4 stars). 2 submissions from 2 submitters: Likely benign (2). Last evaluated 2024-12-30.

Conditions:
Familial cancer of breast. Also called: BREAST CANCER, FAMILIAL; hereditary breast carcinoma; Hereditary breast cancer. Identifiers: Orphanet 227535, MedGen C0346153, MONDO:0016419, OMIM 114480. Disease mechanism: loss of function.

Allele frequency attached by ClinVar (database versions not stated): gnomAD 0.00001; TOPMed 0.00001.

Submissions (2):

Labcorp Genetics (formerly Invitae), Labcorp
Classification: Likely benign for Familial cancer of breast. Last evaluated: 2024-12-30. Review status: criteria provided, single submitter. Criteria: Invitae Variant Classification Sherloc (09022015). Collection method: clinical testing. Allele origin: germline.

Myriad Genetics, Inc.
Classification: Likely benign for Familial cancer of breast. Last evaluated: 2024-10-08. Review status: criteria provided, single submitter. Criteria: Myriad Autosomal Dominant, Autosomal Recessive and X-Linked Classification Criteria (2023). Collection method: clinical testing. Allele origin: unknown.
Comment: This variant is considered likely benign. This variant is intronic and is not expected to impact mRNA splicing.